The following is an entry in ClinVar:

NM_002474.3(MYH11):c.5614-5G>T

Genes: MYH11 (myosin heavy chain 11; minus strand), NDE1 (nudE neurodevelopment protein 1; plus strand). Cytogenetic location: 16p13.11.
Variant type: single nucleotide variant.
Coding change: c.5614-5G>T on transcript NM_002474.3 (MANE Select); 5 bases into the intron before coding-DNA position 5614, G replaced by T.
Molecular consequence: intron variant.
Genome position (GRCh38, 1-based): chr16:15,715,086, C>A on the plus strand (G>T on the coding strand, the complement: MYH11 is on the minus strand). VCF-style: chr16-15715086-C-A. GRCh37 (hg19) VCF-style: chr16-15808943-C-A.
Other names: c.948-9105C>A (NM_001143979.2, NM_017668.3); c.5614-5G>T (NM_022844.3); c.5635-5G>T (NM_001040114.2, NM_001040113.2).
Identifiers: ClinVar variation 1971491 (VCV001971491.19), dbSNP rs201028938, ClinGen allele CA7921185.

ClinVar aggregate classification (germline): Conflicting classifications of pathogenicity. Review status: criteria provided, conflicting classifications (1 of 4 stars). 2 submissions from 2 submitters: Uncertain significance (1); Likely benign (1). Last evaluated 2024-10-01.

Conditions:
Aortic aneurysm, familial thoracic 4 (AAT4). Also called: AORTIC ANEURYSM/AORTIC DISSECTION AND PATENT DUCTUS ARTERIOSUS. Identifiers: MedGen C1851504, MONDO:0007568, OMIM 132900.

gnomAD v4.1: 14 of 1,612,276 alleles (0.00087%); highest among the groups gnomAD compares: Middle Eastern, 0.017%; no homozygotes.

Submissions (2):

CeGaT Center for Human Genetics Tuebingen
Classification: Likely benign. Last evaluated: 2024-10-01. Review status: criteria provided, single submitter. Criteria: CeGaT Center For Human Genetics Tuebingen Variant Classification Criteria Version 2. Collection method: clinical testing. Allele origin: germline. Affected: yes. Observed: 1 variant allele.
Comment: MYH11: BP4, BP7

Labcorp Genetics (formerly Invitae), Labcorp
Classification: Uncertain significance for Aortic aneurysm, familial thoracic 4. Last evaluated: 2022-03-04. Review status: criteria provided, single submitter. Criteria: Invitae Variant Classification Sherloc (09022015). Collection method: clinical testing. Allele origin: germline.
Comment: Algorithms developed to predict the effect of sequence changes on RNA splicing suggest that this variant may disrupt the consensus splice site. In summary, the available evidence is currently insufficient to determine the role of this variant in disease. Therefore, it has been classified as a Variant of Uncertain Significance. This variant has not been reported in the literature in individuals affected with MYH11-related conditions. This variant is present in population databases (rs201028938, gnomAD 0.0009%). This sequence change falls in intron 40 of the MYH11 gene. It does not directly change the encoded amino acid sequence of the MYH11 protein.